The following is an entry in ClinVar:

NM_024747.6(HPS6):c.1427A>G (p.Asp476Gly)

Gene: HPS6 (HPS6 biogenesis of lysosomal organelles complex 2 subunit 3; plus strand). Cytogenetic location: 10q24.32.
Variant type: single nucleotide variant.
Coding change: c.1427A>G on transcript NM_024747.6 (MANE Select); coding-DNA position 1427, A replaced by G.
Protein change: p.Asp476Gly; replaces aspartic acid 476 with glycine.
Molecular consequence: missense variant.
Genome position (GRCh38, 1-based): chr10:102,066,901, A>G. VCF-style: chr10-102066901-A-G. GRCh37 (hg19) VCF-style: chr10-103826658-A-G.
Other names: short protein forms D476G.
Identifiers: ClinVar variation 2187492 (VCV002187492.2), dbSNP rs753972295, ClinGen allele CA5659979.

ClinVar aggregate classification (germline): Uncertain significance. Review status: criteria provided, multiple submitters, no conflicts (2 of 4 stars). 2 submissions from 2 submitters: Uncertain significance (2). Last evaluated 2025-04-09.

Conditions:
Inborn genetic diseases. Identifiers: MedGen C0950123, MeSH D030342.

Allele frequency attached by ClinVar (database versions not stated): TOPMed 0.00001; ExAC 0.00011; gnomAD 0.00001; gnomAD exomes 0.00007.

Submissions (2):

Ambry Genetics
Classification: Uncertain significance for Inborn genetic diseases. Last evaluated: 2025-04-09. Review status: criteria provided, single submitter. Criteria: Ambry Variant Classification Scheme 2023. Collection method: clinical testing. Allele origin: germline.

Labcorp Genetics (formerly Invitae), Labcorp
Classification: Uncertain significance. Last evaluated: 2022-07-05. Review status: criteria provided, single submitter. Criteria: Invitae Variant Classification Sherloc (09022015). Collection method: clinical testing. Allele origin: germline.
Comment: This sequence change replaces aspartic acid, which is acidic and polar, with glycine, which is neutral and non-polar, at codon 476 of the HPS6 protein (p.Asp476Gly). This variant is present in population databases (rs753972295, gnomAD 0.05%). This variant has not been reported in the literature in individuals affected with HPS6-related conditions. Algorithms developed to predict the effect of missense changes on protein structure and function are either unavailable or do not agree on the potential impact of this missense change (SIFT: "Deleterious"; PolyPhen-2: "Possibly Damaging"; Align-GVGD: "Class C15"). In summary, the available evidence is currently insufficient to determine the role of this variant in disease. Therefore, it has been classified as a Variant of Uncertain Significance.